The following is an entry in ClinVar:

ClinVar aggregate classification (germline): Uncertain significance. Review status: criteria provided, single submitter (1 of 4 stars). 2 submissions from 2 submitters: Uncertain significance (1). 1 of the submissions does not count toward it. Last evaluated 2024-09-13.

Conditions:
Retinal dystrophy. Also called: Inherited retinal dystrophy. Identifiers: Orphanet 71862, MedGen C0854723, MeSH D058499, MONDO:0019118, HP:0000556.

Allele frequency attached by ClinVar (database versions not stated): ExAC 0.00002; gnomAD exomes 0.00002; gnomAD 0.00005 and 0.00006.

Submissions (2):

Labcorp Genetics (formerly Invitae), Labcorp
Classification: Uncertain significance. Last evaluated: 2024-09-13. Review status: criteria provided, single submitter. Criteria: Invitae Variant Classification Sherloc (09022015). Collection method: clinical testing. Allele origin: germline.
Comment: This sequence change replaces glycine, which is neutral and non-polar, with arginine, which is basic and polar, at codon 1118 of the TUBGCP6 protein (p.Gly1118Arg). This variant is present in population databases (rs574080138, gnomAD 0.02%). This variant has not been reported in the literature in individuals affected with TUBGCP6-related conditions. ClinVar contains an entry for this variant (Variation ID: 1470297). An algorithm developed to predict the effect of missense changes on protein structure and function (PolyPhen-2) suggests that this variant is likely to be disruptive. In summary, the available evidence is currently insufficient to determine the role of this variant in disease. Therefore, it has been classified as a Variant of Uncertain Significance.

Institute of Human Genetics, Univ. Regensburg, Univ. Regensburg
Classification: Uncertain significance for Retinal dystrophy. Last evaluated: 2022-01-01. Review status: no assertion criteria provided. Criteria: ACMG Guidelines, 2015. Collection method: clinical testing. Allele origin: germline. Affected: yes. Not counted in ClinVar's aggregate classification.

NM_020461.4(TUBGCP6):c.3352G>A (p.Gly1118Arg)

Gene: TUBGCP6 (tubulin gamma complex component 6; minus strand). Cytogenetic location: 22q13.33.
Variant type: single nucleotide variant.
Coding change: c.3352G>A on transcript NM_020461.4 (MANE Select); coding-DNA position 3352, G replaced by A.
Protein change: p.Gly1118Arg; replaces glycine 1118 with arginine.
Molecular consequence: missense variant.
Genome position (GRCh38, 1-based): chr22:50,221,007, C>T on the plus strand (G>A on the coding strand, the complement: TUBGCP6 is on the minus strand). VCF-style: chr22-50221007-C-T. GRCh37 (hg19) VCF-style: chr22-50659436-C-T.
Other names: short protein forms G1118R.
Identifiers: ClinVar variation 1470297 (VCV001470297.5), dbSNP rs574080138, ClinGen allele CA10307970.
Genomic context (GRCh38, chr22:50,221,007, plus strand): 5'-ACACGTGCCCGTGGGTATTCCACCGTGGCCTGGTGGGAGCCACATCTGACACATTCTCCC[C>T]GACCCTGATGCTGGCGTTGGACACATGTCCATGGATGTTCCACCGTGGCCGAGTGGGAGC-3'
Protein context (NP_065194.3, residues 1108-1128): GHVSNASIRV[Gly1118Arg]ENVSDVAPTR